The following is an entry in ClinVar:

NM_000465.4(BARD1):c.335G>C (p.Arg112Pro)

Gene: BARD1 (BRCA1 associated RING domain 1; minus strand). Cytogenetic location: 2q35.
Variant type: single nucleotide variant.
Coding change: c.335G>C on transcript NM_000465.4 (MANE Select); coding-DNA position 335, G replaced by C.
Protein change: p.Arg112Pro; replaces arginine 112 with proline.
Molecular consequence: missense variant. On other transcripts: non-coding transcript variant (1), intron variant (2).
Genome position (GRCh38, 1-based): chr2:214,792,326, C>G on the plus strand (G>C on the coding strand, the complement: BARD1 is on the minus strand). VCF-style: chr2-214792326-C-G. GRCh37 (hg19) VCF-style: chr2-215657050-C-G.
Other names: c.278G>C, p.Arg93Pro (NM_001282543.2); c.335G>C, p.Arg112Pro (NM_001282549.2); c.158+17086G>C (NM_001282548.2); c.215+4735G>C (NM_001282545.2); short protein forms R112P, R93P.
Identifiers: ClinVar variation 221102 (VCV000221102.13), dbSNP rs587781591, ClinGen allele CA350399.

ClinVar aggregate classification (germline): Uncertain significance. Review status: criteria provided, multiple submitters, no conflicts (2 of 4 stars). 2 submissions from 2 submitters: Uncertain significance (2). Last evaluated 2025-12-21.

Conditions:
Familial cancer of breast. Also called: BREAST CANCER, FAMILIAL; hereditary breast carcinoma; Hereditary breast cancer. Identifiers: Orphanet 227535, MedGen C0346153, MONDO:0016419, OMIM 114480. Disease mechanism: loss of function.
Hereditary cancer-predisposing syndrome. Also called: Tumor predisposition; Hereditary neoplastic syndrome; Hereditary Cancer Syndrome; Neoplastic Syndromes, Hereditary. Identifiers: Orphanet 140162, MedGen C0027672, MeSH D009386, MONDO:0015356.

Allele frequency attached by ClinVar (database versions not stated): TOPMed 0.00001.

Submissions (2):

Ambry Genetics
Classification: Uncertain significance for Hereditary cancer-predisposing syndrome. Last evaluated: 2025-12-21. Review status: criteria provided, single submitter. Criteria: Ambry Variant Classification Scheme 2023. Collection method: clinical testing. Allele origin: germline.
Comment: The p.R112P variant (also known as c.335G>C), located in coding exon 3 of the BARD1 gene, results from a G to C substitution at nucleotide position 335. The arginine at codon 112 is replaced by proline, an amino acid with dissimilar properties. This amino acid position is poorly conserved in available vertebrate species. In addition, the in silico prediction for this alteration is inconclusive. Since supporting evidence is limited at this time, the clinical significance of this alteration remains unclear.

Labcorp Genetics (formerly Invitae), Labcorp
Classification: Uncertain significance for Familial cancer of breast. Last evaluated: 2025-04-17. Review status: criteria provided, single submitter. Criteria: Invitae Variant Classification Sherloc (09022015). Collection method: clinical testing. Allele origin: germline.
Comment: This sequence change replaces arginine, which is basic and polar, with proline, which is neutral and non-polar, at codon 112 of the BARD1 protein (p.Arg112Pro). This variant is not present in population databases (gnomAD no frequency). This variant has not been reported in the literature in individuals affected with BARD1-related conditions. ClinVar contains an entry for this variant (Variation ID: 221102). An algorithm developed to predict the effect of missense changes on protein structure and function (PolyPhen-2) suggests that this variant is likely to be disruptive. In summary, the available evidence is currently insufficient to determine the role of this variant in disease. Therefore, it has been classified as a Variant of Uncertain Significance.